The following is an entry in ClinVar:

ClinVar aggregate classification (germline): Uncertain significance (1 of 4 stars; one submission).

Conditions:
Cardiovascular phenotype. Identifiers: MedGen CN230736.

gnomAD v4.1: 2 of 1,602,146 alleles (0.00012%); highest among the groups gnomAD compares: Non-Finnish European, 0.00017%; no homozygotes.

Submission:

Ambry Genetics
Classification: Uncertain significance for Cardiovascular phenotype. Last evaluated: 2023-01-19. Review status: criteria provided, single submitter. Criteria: Ambry Variant Classification Scheme 2023. Collection method: clinical testing. Allele origin: germline.
Comment: The p.W310R variant (also known as c.928T>A), located in coding exon 11 of the TECRL gene, results from a T to A substitution at nucleotide position 928. The tryptophan at codon 310 is replaced by arginine, an amino acid with dissimilar properties. This amino acid position is highly conserved in available vertebrate species. In addition, this alteration is predicted to be deleterious by in silico analysis. Since supporting evidence is limited at this time, the clinical significance of this alteration remains unclear.

NM_001010874.5(TECRL):c.928T>A (p.Trp310Arg)

Gene: TECRL (trans-2,3-enoyl-CoA reductase like; minus strand). Cytogenetic location: 4q13.1.
Variant type: single nucleotide variant.
Coding change: c.928T>A on transcript NM_001010874.5 (MANE Select); coding-DNA position 928, T replaced by A.
Protein change: p.Trp310Arg; replaces tryptophan 310 with arginine.
Molecular consequence: missense variant.
Genome position (GRCh38, 1-based): chr4:64,281,077, A>T on the plus strand (T>A on the coding strand, the complement: TECRL is on the minus strand). VCF-style: chr4-64281077-A-T. GRCh37 (hg19) VCF-style: chr4-65146795-A-T.
Other names: c.928T>A, p.Trp310Arg (NM_001363796.1); short protein forms W310R.
Identifiers: ClinVar variation 1766445 (VCV001766445.3), dbSNP rs1722799830, ClinGen allele CA357043075.
Genomic context (GRCh38, chr4:64,281,077, plus strand): 5'-ATTATCAGTATATCTAGGTCTTACCTGGCAGTGTTTGTGTCATGACTGTGAAACTAATCC[A>T]TGATCCAATCTGTTATATTAAAACTTAAATTAGCACATACATAAATGGAATCTAGTAATT-3'
Protein context (NP_001010874.2, residues 300-320): CPNYTYEIGS[Trp310Arg]ISFTVMTQTL